The following is an entry in ClinVar:

ClinVar aggregate classification (germline): Uncertain significance (0 of 4 stars; one submission).

Conditions:
GRIK2-related disorder. Also called: GRIK2-related condition.

gnomAD v4.1: 31 of 1,608,084 alleles (0.0019%); highest among the groups gnomAD compares: African/African-American, 0.023%; no homozygotes.

Submission:

PreventionGenetics, part of Exact Sciences
Classification: Uncertain significance for GRIK2-related condition. Last evaluated: 2024-06-27. Review status: no assertion criteria provided. Collection method: clinical testing. Allele origin: germline.
Comment: The GRIK2 c.2132G>A variant is predicted to result in the amino acid substitution p.Ser711Asn. To our knowledge, this variant has not been reported in the literature. This variant is reported in 0.020% of alleles in individuals of African descent in gnomAD. At this time, the clinical significance of this variant is uncertain due to the absence of conclusive functional and genetic evidence.

NM_021956.5(GRIK2):c.2132G>A (p.Ser711Asn)

Gene: GRIK2 (glutamate ionotropic receptor kainate type subunit 2; plus strand). Cytogenetic location: 6q16.3.
Variant type: single nucleotide variant.
Coding change: c.2132G>A on transcript NM_021956.5 (MANE Select); coding-DNA position 2132, G replaced by A.
Protein change: p.Ser711Asn; replaces serine 711 with asparagine.
Molecular consequence: missense variant.
Genome position (GRCh38, 1-based): chr6:102,035,387, G>A. VCF-style: chr6-102035387-G-A. GRCh37 (hg19) VCF-style: chr6-102483262-G-A.
Other names: c.2132G>A, p.Ser711Asn (NM_001166247.1, NM_175768.3); short protein forms S711N.
Identifiers: ClinVar variation 3354965 (VCV003354965.1).
Genomic context (GRCh38, chr6:102,035,387, plus strand): 5'-TTTATTTTCTTCAGAAATCAAAAATCTCCACGTATGACAAAATGTGGGCCTTTATGAGTA[G>A]CAGAAGGCAGTCAGTGCTGGTCAAAAGTAATGAAGAAGGAATCCAGCGAGTCCTCACCTC-3'
Protein context (NP_068775.1, residues 701-721): TYDKMWAFMS[Ser711Asn]RRQSVLVKSN